The following is an entry in ClinVar:

NM_017780.4(CHD7):c.1707T>A (p.Asp569Glu)

Genes: CHD7 (chromodomain helicase DNA binding protein 7; plus strand), LOC126860403 (CDK7 strongly-dependent group 2 enhancer GRCh37_chr8:61693034-61694233; plus strand). Cytogenetic location: 8q12.2.
Variant type: single nucleotide variant.
Coding change: c.1707T>A on transcript NM_017780.4 (MANE Select); coding-DNA position 1707, T replaced by A.
Protein change: p.Asp569Glu; replaces aspartic acid 569 with glutamic acid.
Molecular consequence: missense variant.
Genome position (GRCh38, 1-based): chr8:60,781,041, T>A. VCF-style: chr8-60781041-T-A. GRCh37 (hg19) VCF-style: chr8-61693600-T-A.
Other names: c.1707T>A, p.Asp569Glu (NM_001316690.1); short protein forms D569E.
Identifiers: ClinVar variation 1310774 (VCV001310774.5), dbSNP rs1694045574, ClinGen allele CA371311448.

ClinVar aggregate classification (germline): Uncertain significance. Review status: criteria provided, multiple submitters, no conflicts (2 of 4 stars). 3 submissions from 3 submitters: Uncertain significance (3). Last evaluated 2024-12-13.

Conditions:
Hypogonadotropic hypogonadism 5 with or without anosmia (KAL5). Also called: HYPOGONADOTROPIC HYPOGONADISM 5 WITH ANOSMIA; CHD7-Related GnRH Deficiency (Kallmann Syndrome 5); HYPOGONADOTROPHIC HYPOGONADISM 5 WITHOUT ANOSMIA. Identifiers: Orphanet 478, MedGen C3552553, MONDO:0012880, OMIM 612370. Disease mechanism: loss of function.
CHARGE syndrome (CHARGE). Also called: Hittner Hirsch Kreh syndrome; CHARGE ASSOCIATION--COLOBOMA, HEART ANOMALY, CHOANAL ATRESIA, RETARDATION, GENITAL AND EAR ANOMALIES; Coloboma, heart anomaly, choanal atresia, retardation, genital and ear anomalies; CHARGE association; Hall-Hittner syndrome. Identifiers: Orphanet 138, MedGen C0265354, MONDO:0008965.

Allele frequency attached by ClinVar (database versions not stated): TOPMed below 0.00001; gnomAD exomes 0.00001.
gnomAD v4.1: 4 of 1,597,936 alleles (0.00025%); highest among the groups gnomAD compares: Non-Finnish European, 0.00034%; no homozygotes.

Submissions (3):

Labcorp Genetics (formerly Invitae), Labcorp
Classification: Uncertain significance for CHARGE syndrome. Last evaluated: 2024-12-13. Review status: criteria provided, single submitter. Criteria: Invitae Variant Classification Sherloc (09022015). Collection method: clinical testing. Allele origin: germline.
Comment: This sequence change replaces aspartic acid, which is acidic and polar, with glutamic acid, which is acidic and polar, at codon 569 of the CHD7 protein (p.Asp569Glu). This variant is not present in population databases (gnomAD no frequency). This variant has not been reported in the literature in individuals affected with CHD7-related conditions. ClinVar contains an entry for this variant (Variation ID: 1310774). Invitae Evidence Modeling of protein sequence and biophysical properties (such as structural, functional, and spatial information, amino acid conservation, physicochemical variation, residue mobility, and thermodynamic stability) indicates that this missense variant is not expected to disrupt CHD7 protein function with a negative predictive value of 95%. In summary, the available evidence is currently insufficient to determine the role of this variant in disease. Therefore, it has been classified as a Variant of Uncertain Significance.

Fulgent Genetics
Classification: Uncertain significance for CHD7-related CHARGE syndrome; Hypogonadotropic hypogonadism 5 with or without anosmia. Last evaluated: 2022-01-04. Review status: criteria provided, single submitter. Criteria: ACMG Guidelines, 2015. Collection method: clinical testing. Allele origin: unknown.

GeneDx
Classification: Uncertain significance. Last evaluated: 2019-11-30. Review status: criteria provided, single submitter. Criteria: GeneDx Variant Classification Process June 2021. Collection method: clinical testing. Allele origin: germline. Affected: yes.
Comment: Not observed in large population cohorts (Lek et al., 2016); In silico analysis, which includes protein predictors and evolutionary conservation, supports that this variant does not alter protein structure/function; Has not been previously published as pathogenic or benign to our knowledge